The following is an entry in ClinVar:

ClinVar aggregate classification (germline): Likely benign. Review status: criteria provided, multiple submitters, no conflicts (2 of 4 stars). 3 submissions from 3 submitters: Likely benign (2). 1 of the submissions does not count toward it. Last evaluated 2025-07-16.

Conditions:
COL11A2-related disorder. Also called: COL11A2-related condition; COL11A2-related disorders.

gnomAD v4.1: 18 of 1,611,918 alleles (0.0011%); highest among the groups gnomAD compares: African/African-American, 0.019%; no homozygotes.

Submissions (3):

Labcorp Genetics (formerly Invitae), Labcorp
Classification: Likely benign. Last evaluated: 2025-07-16. Review status: criteria provided, single submitter. Criteria: Invitae Variant Classification Sherloc (09022015). Collection method: clinical testing. Allele origin: germline.

Blueprint Genetics
Classification: Likely benign. Last evaluated: 2019-01-15. Review status: criteria provided, single submitter. Criteria: ACMG Guidelines, 2015. Collection method: clinical testing. Allele origin: germline.

PreventionGenetics, part of Exact Sciences
Classification: Likely benign for COL11A2-related condition. Last evaluated: 2022-12-22. Review status: no assertion criteria provided. Collection method: clinical testing. Allele origin: germline. Not counted in ClinVar's aggregate classification.
Comment: This variant is classified as likely benign based on ACMG/AMP sequence variant interpretation guidelines (Richards et al. 2015 PMID: 25741868, with internal and published modifications).

NM_080680.3(COL11A2):c.1443G>C (p.Ala481=)

Gene: COL11A2 (collagen type XI alpha 2 chain; minus strand). Cytogenetic location: 6p21.32.
Variant type: single nucleotide variant.
Coding change: c.1443G>C on transcript NM_080680.3 (MANE Select); coding-DNA position 1443, G replaced by C.
Protein change: p.Ala481=; no amino-acid change (alanine 481 retained).
Molecular consequence: synonymous variant.
Genome position (GRCh38, 1-based): chr6:33,179,722, C>G on the plus strand (G>C on the coding strand, the complement: COL11A2 is on the minus strand). VCF-style: chr6-33179722-C-G. GRCh37 (hg19) VCF-style: chr6-33147499-C-G.
Other names: c.1122G>C, p.Ala374= (NM_080679.3); c.1185G>C, p.Ala395= (NM_080681.3); c.1443G>C (NM_080680.2).
Identifiers: ClinVar variation 1579675 (VCV001579675.11), dbSNP rs146421083, ClinGen allele CA3751358.